The following is an entry in ClinVar:

ClinVar aggregate classification (germline): Uncertain significance (1 of 4 stars; one submission).

Allele frequency attached by ClinVar (database versions not stated): gnomAD exomes 0.00008; ExAC 0.00010; gnomAD 0.00027 and 0.00030; TOPMed 0.00029; 1000 Genomes Project 30x 0.00062; 1000 Genomes Project 0.00080.
gnomAD v4.1: 108 of 1,524,646 alleles (0.0071%); highest among the groups gnomAD compares: African/African-American, 0.12%; no homozygotes.

Submission:

Labcorp Genetics (formerly Invitae), Labcorp
Classification: Uncertain significance. Last evaluated: 2022-07-26. Review status: criteria provided, single submitter. Criteria: Invitae Variant Classification Sherloc (09022015). Collection method: clinical testing. Allele origin: germline.
Comment: This sequence change replaces arginine, which is basic and polar, with serine, which is neutral and polar, at codon 2470 of the SPEG protein (p.Arg2470Ser). This variant is present in population databases (rs537426355, gnomAD 0.2%). This variant has not been reported in the literature in individuals affected with SPEG-related conditions. ClinVar contains an entry for this variant (Variation ID: 1505981). Algorithms developed to predict the effect of missense changes on protein structure and function are either unavailable or do not agree on the potential impact of this missense change (SIFT: "Deleterious"; PolyPhen-2: "Probably Damaging"; Align-GVGD: "Class C0"). In summary, the available evidence is currently insufficient to determine the role of this variant in disease. Therefore, it has been classified as a Variant of Uncertain Significance.

NM_005876.5(SPEG):c.7408C>A (p.Arg2470Ser)

Genes: ASIC4-AS1 (ASIC4 antisense RNA 1; minus strand), SPEG (striated muscle enriched protein kinase; plus strand). Cytogenetic location: 2q35.
Variant type: single nucleotide variant.
Coding change: c.7408C>A on transcript NM_005876.5 (MANE Select); coding-DNA position 7408, C replaced by A.
Protein change: p.Arg2470Ser; replaces arginine 2470 with serine.
Molecular consequence: missense variant.
Genome position (GRCh38, 1-based): chr2:219,484,871, C>A. VCF-style: chr2-219484871-C-A. GRCh37 (hg19) VCF-style: chr2-220349593-C-A.
Other names: short protein forms R2470S.
Identifiers: ClinVar variation 1505981 (VCV001505981.3), dbSNP rs537426355, ClinGen allele CA2127200.